The following is an entry in ClinVar:

ClinVar aggregate classification (germline): Uncertain significance (1 of 4 stars; one submission).

Allele frequency attached by ClinVar (database versions not stated): gnomAD exomes below 0.00001.
gnomAD v4.1: 4 of 1,613,004 alleles (0.00025%); highest among the groups gnomAD compares: African/African-American, 0.0053%; no homozygotes.

Submission:

Labcorp Genetics (formerly Invitae), Labcorp
Classification: Uncertain significance. Last evaluated: 2025-04-10. Review status: criteria provided, single submitter. Criteria: Invitae Variant Classification Sherloc (09022015). Collection method: clinical testing. Allele origin: germline.
Comment: This sequence change falls in intron 45 of the CACNA1E gene. It does not directly change the encoded amino acid sequence of the CACNA1E protein. It affects a nucleotide within the consensus splice site. This variant is not present in population databases (gnomAD no frequency). This variant has not been reported in the literature in individuals affected with CACNA1E-related conditions. ClinVar contains an entry for this variant (Variation ID: 2976599). Variants that disrupt the consensus splice site are a relatively common cause of aberrant splicing (PMID: 17576681, 9536098). Algorithms developed to predict the effect of sequence changes on RNA splicing suggest that this variant is not likely to affect RNA splicing. In summary, the available evidence is currently insufficient to determine the role of this variant in disease. Therefore, it has been classified as a Variant of Uncertain Significance.

Literature cited by the submitters: PubMed 17576681; PubMed 9536098.

NM_001205293.3(CACNA1E):c.6208+3G>A

Gene: CACNA1E (calcium voltage-gated channel subunit alpha1 E; plus strand). Cytogenetic location: 1q25.3.
Variant type: single nucleotide variant.
Coding change: c.6208+3G>A on transcript NM_001205293.3 (MANE Select); 3 bases into the intron after coding-DNA position 6208, G replaced by A.
Molecular consequence: intron variant.
Genome position (GRCh38, 1-based): chr1:181,795,047, G>A. VCF-style: chr1-181795047-G-A. GRCh37 (hg19) VCF-style: chr1-181764183-G-A.
Other names: c.6079+3G>A (NM_000721.4); c.6022+3G>A (NM_001205294.2).
Identifiers: ClinVar variation 2976599 (VCV002976599.3), dbSNP rs2525491145, ClinGen allele CA2573332414.
Genomic context (GRCh38, chr1:181,795,047, plus strand): 5'-CGCCGGAGTTACCACTCCTCCTTGCGGCTGTCAGCCCACCGCCTGAACTCTGATTCAGGT[G>A]AGGAGGTCTTCAGTGTCCAGCTCTTTCATCAGGCAGTGGGCTCCTGCCCTGATGCACTTA-3'